The following is an entry in ClinVar:

ClinVar aggregate classification (germline): Conflicting classifications of pathogenicity. Review status: criteria provided, conflicting classifications (1 of 4 stars). 13 submissions from 13 submitters: Uncertain significance (8); Benign (1); Likely benign (1). 3 of the submissions do not count toward it. Last evaluated 2026-04-14.

Conditions:
ATP8B1-related disorder. Also called: ATP8B1-related condition; ATP8B1-related disorders.
Familial intrahepatic cholestasis. Identifiers: Orphanet 284385, MedGen CN296401, MONDO:0017290.
Progressive familial intrahepatic cholestasis type 1. Also called: Severe ATP8B1 Deficiency (Progressive Familial Intrahepatic Cholestasis Type 1 [PFIC1]); Byler's disease; BYLER DISEASE. Identifiers: Orphanet 79306, MedGen C4551898, MONDO:0008892, OMIM 211600.
Benign recurrent intrahepatic cholestasis type 1. Also called: Mild-to-Moderate ATP8B1 Deficiency (Benign Recurrent Intrahepatic Cholestasis 1 [BRIC1]); SUMMERSKILL SYNDROME. Identifiers: Orphanet 65682, Orphanet 99960, MedGen C4551899, MONDO:0009469, OMIM 243300.
Cholestasis, intrahepatic, of pregnancy, 1 (ICP1). Also called: CHOLESTASIS, PREGNANCY-RELATED, 1. Identifiers: Orphanet 69665, MedGen C3549845, MONDO:0007829, OMIM 147480.

Allele frequency attached by ClinVar (database versions not stated): gnomAD 0.00093 and 0.00095; TOPMed 0.00130; ESP Exome Variant Server 0.00146; gnomAD exomes 0.00156 and 0.00089; 1000 Genomes Project 30x 0.00047; 1000 Genomes Project 0.00060; ExAC 0.00080.
gnomAD v4.1: 2,420 of 1,614,088 alleles (0.15%); highest among the groups gnomAD compares: Non-Finnish European, 0.18%; 6 homozygotes.

Submissions (13):

Genomenon, Inc
Classification: Likely benign for Familial intrahepatic cholestasis. Last evaluated: 2026-04-14. Review status: criteria provided, single submitter. Criteria: Genomenon Sequence Variant Interpretation Standards - Updated. Collection method: curation. Allele origin: germline. Affected: yes.
Comment: ATP8B1 p.Lys203Glu (c.607A>G) is a missense variant that changes the amino acid at residue 203 from Lysine to Glutamic acid. This variant has been observed in at least one proband with features of ATP8B1-deficiency (PMID:29238877). This variant’s allele frequency in gnomAD is greater than expected for this disorder. In conclusion, we classify ATP8B1 p.Lys203Glu (c.607A>G) as a likely benign variant.

Labcorp Genetics (formerly Invitae), Labcorp
Classification: Benign. Last evaluated: 2026-01-28. Review status: criteria provided, single submitter. Criteria: Invitae Variant Classification Sherloc (09022015). Collection method: clinical testing. Allele origin: germline.

Women's Health and Genetics/Laboratory Corporation of America, LabCorp
Classification: Uncertain significance. Last evaluated: 2025-08-29. Review status: criteria provided, single submitter. Criteria: LabCorp Variant Classification Summary - May 2015. Collection method: clinical testing. Allele origin: germline.
Comment: Variant summary: ATP8B1 c.607A>G (p.Lys203Glu) results in a conservative amino acid change in the encoded protein sequence. Algorithms developed to predict the effect of missense changes on protein structure and function are either unavailable or do not agree on the potential impact of this missense change. The variant allele was found at a frequency of 0.0015 in 1616342 control chromosomes in the gnomAD database, including 6 homozygotes. This frequency is not significantly higher than estimated for disease-causing variants in ATP8B1, allowing no conclusion about variant significance. c.607A>G has been observed in individuals affected by ATP8B1-related conditions in the heterozygous state across multiple studies (Painter_2005, van der Woerd_2013, Dixon_2017, Vitale_2018, Nayagam_2022), and in one homozygous individual (Gouveia_2020). To our knowledge, no experimental evidence demonstrating an impact on protein function has been reported. The following publications have been ascertained in the context of this evaluation (PMID: 28924228, 32650689, 15657619, 29238877, 24260417, 35894240). ClinVar contains an entry for this variant (Variation ID: 198532). Based on the evidence outlined above, the variant was classified as uncertain significance.

Blueprint Genetics
Classification: Uncertain significance. Last evaluated: 2024-11-13. Review status: criteria provided, single submitter. Criteria: ACMG Guidelines, 2015. Collection method: clinical testing. Allele origin: germline.

Mayo Clinic Laboratories, Mayo Clinic
Classification: Uncertain significance. Last evaluated: 2023-05-23. Review status: criteria provided, single submitter. Criteria: ACMG Guidelines, 2015. Collection method: clinical testing. Allele origin: germline. Observed: 2 variant alleles.
Comment: BS1

Fulgent Genetics
Classification: Uncertain significance for Cholestasis, intrahepatic, of pregnancy, 1; Progressive familial intrahepatic cholestasis type 1; Benign recurrent intrahepatic cholestasis type 1. Last evaluated: 2021-09-12. Review status: criteria provided, single submitter. Criteria: ACMG Guidelines, 2015. Collection method: clinical testing. Allele origin: unknown.

Eurofins Ntd Llc (ga)
Classification: Uncertain significance. Last evaluated: 2018-07-09. Review status: criteria provided, single submitter. Criteria: EGL ClinVar v180209 classification definitions. Collection method: clinical testing. Allele origin: germline. Observed: 13 variant alleles, 13 heterozygotes.

GeneDx
Classification: Uncertain significance. Last evaluated: 2018-02-14. Review status: criteria provided, single submitter. Criteria: GeneDx Variant Classification (06012015). Collection method: clinical testing. Allele origin: germline. Affected: yes.
Comment: A variant of uncertain significance has been identified in the ATP8B1 gene. The K203E variant has previously been identified as heterozygous in a single individual with intrahepatic cholestasis of pregnancy (Painter et al., 2005). The K203E variant was not observed at any significant frequency in approximately 6,500 individuals of European and African American ancestry in the NHLBI Exome Sequencing Project, indicating it is not a common benign variant in these populations. The K203E variant is a non-conservative amino acid substitution, which is likely to impact secondary protein structure as these residues differ in polarity, charge, size and/or other properties. This substitution occurs at a position that is not conserved. In silico analysis is inconsistent in its predictions as to whether or not the variant is damaging to the protein structure/function. Therefore, based on the currently available information, it is unclear whether this variant is a pathogenic variant or a rare benign variant.

Illumina Laboratory Services, Illumina
Classification: Uncertain significance for Progressive familial intrahepatic cholestasis type 1. Last evaluated: 2017-04-27. Review status: criteria provided, single submitter. Criteria: ICSL Variant Classification Criteria 13 December 2019. Collection method: clinical testing. Allele origin: germline.

Laboratory for Molecular Medicine, Mass General Brigham Personalized Medicine
Classification: Uncertain significance. Last evaluated: 2016-03-29. Review status: criteria provided, single submitter. Criteria: LMM Criteria. Collection method: clinical testing. Allele origin: germline.
Comment: Variant identified in a genome or exome case(s) and assessed due to predicted null impact of the variant or pathogenic assertions in the literature or databases. Disclaimer: This variant has not undergone full assessment. The following are preliminary notes: Reported in 1 individual with intrahepatic cholestasis of pregnancy (Painter 2005).

PreventionGenetics, part of Exact Sciences
Classification: Likely benign for ATP8B1-related condition. Last evaluated: 2024-02-13. Review status: no assertion criteria provided. Collection method: clinical testing. Allele origin: germline. Not counted in ClinVar's aggregate classification.
Comment: This variant is classified as likely benign based on ACMG/AMP sequence variant interpretation guidelines (Richards et al. 2015 PMID: 25741868, with internal and published modifications).

Clinical Genetics DNA and cytogenetics Diagnostics Lab, Erasmus MC, Erasmus Medical Center
Classification: Uncertain significance. Review status: no assertion criteria provided. Collection method: clinical testing. Allele origin: germline. Affected: yes. Study: VKGL Data-share Consensus. Not counted in ClinVar's aggregate classification.

Diagnostic Laboratory, Department of Genetics, University Medical Center Groningen
Classification: Uncertain significance. Review status: no assertion criteria provided. Collection method: clinical testing. Allele origin: germline. Affected: yes. Study: VKGL Data-share Consensus. Not counted in ClinVar's aggregate classification.

Literature cited by the submitters: PubMed 29238877 (cited by 3 submitters); PubMed 28924228 (cited by Women's Health and Genetics/Laboratory Corporation of America, LabCorp and Mayo Clinic Laboratories, Mayo Clinic); PubMed 32650689 (cited by Women's Health and Genetics/Laboratory Corporation of America, LabCorp and Mayo Clinic Laboratories, Mayo Clinic); PubMed 15657619 (cited by 3 submitters); PubMed 24260417 (cited by Women's Health and Genetics/Laboratory Corporation of America, LabCorp and Mayo Clinic Laboratories, Mayo Clinic); PubMed 35894240 (cited by Women's Health and Genetics/Laboratory Corporation of America, LabCorp and Mayo Clinic Laboratories, Mayo Clinic); PubMed 32695736 (cited by Mayo Clinic Laboratories, Mayo Clinic).

NM_001374385.1(ATP8B1):c.607A>G (p.Lys203Glu)

Gene: ATP8B1 (ATPase phospholipid transporting 8B1; minus strand). Cytogenetic location: 18q21.31.
Variant type: single nucleotide variant.
Coding change: c.607A>G on transcript NM_001374385.1 (MANE Select); coding-DNA position 607, A replaced by G.
Protein change: p.Lys203Glu; replaces lysine 203 with glutamic acid.
Molecular consequence: missense variant.
Genome position (GRCh38, 1-based): chr18:57,697,815, T>C on the plus strand (A>G on the coding strand, the complement: ATP8B1 is on the minus strand). VCF-style: chr18-57697815-T-C. GRCh37 (hg19) VCF-style: chr18-55365047-T-C.
Other names: c.457A>G, p.Lys153Glu (NM_001374386.1); c.607A>G, p.Lys203Glu (NM_005603.6); short protein forms K203E, K153E.
Identifiers: ClinVar variation 198532 (VCV000198532.31), dbSNP rs56355310, ClinGen allele CA247228.
Genomic context (GRCh38, chr18:57,697,815, plus strand): 5'-GGAGAACAAGGAACAAGAGAAGCAGAATTTGTTCACTTACTGGAACAAAATCATTTTTTT[T>C]CAGACGAATGACGTCTCCAACTTGAATTTCTTTCCACTTAGCAACTTTGAACCTAAGGAT-3'
Protein context (NP_001361314.1, residues 193-213): EIQVGDVIRL[Lys203Glu]KNDFVPADIL